The following is an entry in ClinVar:

ClinVar aggregate classification (germline): Uncertain significance (1 of 4 stars; one submission).

Conditions:
Hereditary cancer-predisposing syndrome. Also called: Neoplastic Syndromes, Hereditary; Hereditary Cancer Syndrome; Tumor predisposition; Hereditary neoplastic syndrome. Identifiers: Orphanet 140162, MedGen C0027672, MeSH D009386, MONDO:0015356.

Submission:

Ambry Genetics
Classification: Uncertain significance for Hereditary cancer-predisposing syndrome. Last evaluated: 2024-12-12. Review status: criteria provided, single submitter. Criteria: Ambry Variant Classification Scheme 2023. Collection method: clinical testing. Allele origin: germline.
Comment: The p.G1063W variant (also known as c.3187G>T), located in coding exon 27 of the TSC2 gene, results from a G to T substitution at nucleotide position 3187. The glycine at codon 1063 is replaced by tryptophan, an amino acid with highly dissimilar properties. This amino acid position is conserved. In addition, this alteration is predicted to be deleterious by in silico analysis. Based on the available evidence, the clinical significance of this variant remains unclear.

NM_000548.5(TSC2):c.3187G>T (p.Gly1063Trp)

Gene: TSC2 (TSC complex subunit 2; plus strand). Cytogenetic location: 16p13.3.
Variant type: single nucleotide variant.
Coding change: c.3187G>T on transcript NM_000548.5 (MANE Select); coding-DNA position 3187, G replaced by T.
Protein change: p.Gly1063Trp; replaces glycine 1063 with tryptophan.
Molecular consequence: missense variant. On other transcripts: non-coding transcript variant (5).
Genome position (GRCh38, 1-based): chr16:2,079,331, G>T. VCF-style: chr16-2079331-G-T. GRCh37 (hg19) VCF-style: chr16-2129332-G-T.
Other names: c.3055G>T, p.Gly1019Trp (NM_001077183.3, NM_001370404.1, NM_001406665.1); c.3187G>T, p.Gly1063Trp (NM_001114382.3); c.2947G>T, p.Gly983Trp (NM_001318827.2); c.2911G>T, p.Gly971Trp (NM_001318829.2); c.2455G>T, p.Gly819Trp (NM_001318831.2, NM_001406687.1, NM_001406688.1); c.3088G>T, p.Gly1030Trp (NM_001318832.2); c.3058G>T, p.Gly1020Trp (NM_001363528.2, NM_001370405.1, NM_021055.3); c.3184G>T, p.Gly1062Trp (NM_001406663.1, NM_001406664.1); and 18 more; short protein forms G1016W, G970W, G982W, G1013W, G1014W, G1020W, G1063W, G485W.
Identifiers: ClinVar variation 3811307 (VCV003811307.1).